The following is an entry in ClinVar:

NM_000350.3(ABCA4):c.1580G>A (p.Ser527Asn)

Gene: ABCA4 (ATP binding cassette subfamily A member 4; minus strand). Cytogenetic location: 1p22.1.
Variant type: single nucleotide variant.
Coding change: c.1580G>A on transcript NM_000350.3 (MANE Select); coding-DNA position 1580, G replaced by A.
Protein change: p.Ser527Asn; replaces serine 527 with asparagine.
Molecular consequence: missense variant.
Genome position (GRCh38, 1-based): chr1:94,063,292, C>T on the plus strand (G>A on the coding strand, the complement: ABCA4 is on the minus strand). VCF-style: chr1-94063292-C-T. GRCh37 (hg19) VCF-style: chr1-94528848-C-T.
Other names: c.1580G>A, p.Ser527Asn (NM_001425324.1); short protein forms S527N.
Identifiers: ClinVar variation 1501782 (VCV001501782.6), dbSNP rs1484756902, ClinGen allele CA341280619.

ClinVar aggregate classification (germline): Uncertain significance. Review status: criteria provided, multiple submitters, no conflicts (2 of 4 stars). 2 submissions from 2 submitters: Uncertain significance (2). Last evaluated 2021-08-24.

Allele frequency attached by ClinVar (database versions not stated): gnomAD exomes 0.00001; TOPMed 0.00001.
gnomAD v4.1: 9 of 1,614,130 alleles (0.00056%); highest among the groups gnomAD compares: Non-Finnish European, 0.00076%; no homozygotes.

Submissions (2):

Labcorp Genetics (formerly Invitae), Labcorp
Classification: Uncertain significance. Last evaluated: 2021-08-24. Review status: criteria provided, single submitter. Criteria: Invitae Variant Classification Sherloc (09022015). Collection method: clinical testing. Allele origin: germline.
Comment: This sequence change replaces serine with asparagine at codon 527 of the ABCA4 protein (p.Ser527Asn). The serine residue is highly conserved and there is a small physicochemical difference between serine and asparagine. This variant is not present in population databases (ExAC no frequency). This variant has not been reported in the literature in individuals affected with ABCA4-related conditions. Advanced modeling of protein sequence and biophysical properties (such as structural, functional, and spatial information, amino acid conservation, physicochemical variation, residue mobility, and thermodynamic stability) performed at Invitae indicates that this missense variant is not expected to disrupt ABCA4 protein function. In summary, the available evidence is currently insufficient to determine the role of this variant in disease. Therefore, it has been classified as a Variant of Uncertain Significance.

Blueprint Genetics
Classification: Uncertain significance. Last evaluated: 2019-09-10. Review status: criteria provided, single submitter. Criteria: ACMG Guidelines, 2015. Collection method: clinical testing. Allele origin: germline.